The following is an entry in ClinVar:

NM_000238.4(KCNH2):c.314G>A (p.Cys105Tyr)

Gene: KCNH2 (potassium voltage-gated channel subfamily H member 2; minus strand). Cytogenetic location: 7q36.1.
Variant type: single nucleotide variant.
Coding change: c.314G>A on transcript NM_000238.4 (MANE Select); coding-DNA position 314, G replaced by A.
Protein change: p.Cys105Tyr; replaces cysteine 105 with tyrosine.
Molecular consequence: missense variant.
Genome position (GRCh38, 1-based): chr7:150,959,730, C>T on the plus strand (G>A on the coding strand, the complement: KCNH2 is on the minus strand). VCF-style: chr7-150959730-C-T. GRCh37 (hg19) VCF-style: chr7-150656818-C-T.
Other names: c.26G>A, p.Cys9Tyr (NM_001406753.1, NM_001406756.1); c.137G>A, p.Cys46Tyr (NM_001406755.1); c.14G>A, p.Cys5Tyr (NM_001406757.1); c.314G>A, p.Cys105Tyr (NM_172056.3); short protein forms C9Y, C5Y, C46Y, C105Y.
Identifiers: ClinVar variation 1728175 (VCV001728175.2), dbSNP rs991999274, ClinGen allele CA169082284.

ClinVar aggregate classification (germline): Uncertain significance (1 of 4 stars; one submission).

Conditions:
Cardiovascular phenotype. Identifiers: MedGen CN230736.

Allele frequency attached by ClinVar (database versions not stated): TOPMed below 0.00001.

Submission:

Ambry Genetics
Classification: Uncertain significance for Cardiovascular phenotype. Last evaluated: 2019-12-11. Review status: criteria provided, single submitter. Criteria: Ambry Variant Classification Scheme 2023. Collection method: clinical testing. Allele origin: germline.
Comment: The p.C105Y variant (also known as c.314G>A), located in coding exon 3 of the KCNH2 gene, results from a G to A substitution at nucleotide position 314. The cysteine at codon 105 is replaced by tyrosine, an amino acid with highly dissimilar properties. This amino acid position is highly conserved in available vertebrate species. In addition, this alteration is predicted to be deleterious by in silico analysis. Since supporting evidence is limited at this time, the clinical significance of this alteration remains unclear.